The following is an entry in ClinVar:

NM_022726.4(ELOVL4):c.271C>T (p.Leu91Phe)

Gene: ELOVL4 (ELOVL fatty acid elongase 4; minus strand). Cytogenetic location: 6q14.1.
Variant type: single nucleotide variant.
Coding change: c.271C>T on transcript NM_022726.4 (MANE Select); coding-DNA position 271, C replaced by T.
Protein change: p.Leu91Phe; replaces leucine 91 with phenylalanine.
Molecular consequence: missense variant.
Genome position (GRCh38, 1-based): chr6:79,926,211, G>A on the plus strand (C>T on the coding strand, the complement: ELOVL4 is on the minus strand). VCF-style: chr6-79926211-G-A. GRCh37 (hg19) VCF-style: chr6-80635928-G-A.
Other names: short protein forms L91F.
Identifiers: ClinVar variation 2799442 (VCV002799442.3), dbSNP rs770473003, ClinGen allele CA3901584.

ClinVar aggregate classification (germline): Uncertain significance (1 of 4 stars; one submission).

Allele frequency attached by ClinVar (database versions not stated): TOPMed below 0.00001; gnomAD 0.00001; ExAC 0.00002.
gnomAD v4.1: 31 of 1,613,476 alleles (0.0019%); highest among the groups gnomAD compares: South Asian, 0.033%; no homozygotes.

Submission:

Labcorp Genetics (formerly Invitae), Labcorp
Classification: Uncertain significance. Last evaluated: 2025-05-18. Review status: criteria provided, single submitter. Criteria: Invitae Variant Classification Sherloc (09022015). Collection method: clinical testing. Allele origin: germline.
Comment: This sequence change replaces leucine, which is neutral and non-polar, with phenylalanine, which is neutral and non-polar, at codon 91 of the ELOVL4 protein (p.Leu91Phe). This variant is present in population databases (rs770473003, gnomAD 0.02%). This variant has not been reported in the literature in individuals affected with ELOVL4-related conditions. ClinVar contains an entry for this variant (Variation ID: 2799442). Invitae Evidence Modeling of protein sequence and biophysical properties (such as structural, functional, and spatial information, amino acid conservation, physicochemical variation, residue mobility, and thermodynamic stability) indicates that this missense variant is not expected to disrupt ELOVL4 protein function with a negative predictive value of 80%. In summary, the available evidence is currently insufficient to determine the role of this variant in disease. Therefore, it has been classified as a Variant of Uncertain Significance.